The following is an entry in ClinVar:

ClinVar aggregate classification (germline): Uncertain significance. Review status: criteria provided, multiple submitters, no conflicts (2 of 4 stars). 2 submissions from 2 submitters: Uncertain significance (2). Last evaluated 2023-08-30.

Conditions:
Charcot-Marie-Tooth disease type 4. Also called: Charcot-Marie-Tooth disease, type IV; Charcot-Marie-Tooth, Type 4. Identifiers: Orphanet 64749, MedGen C4082197, MONDO:0018995.
Inborn genetic diseases. Identifiers: MedGen C0950123, MeSH D030342.

Allele frequency attached by ClinVar (database versions not stated): gnomAD exomes below 0.00001.
gnomAD v4.1: 4 of 1,614,148 alleles (0.00025%); highest among the groups gnomAD compares: African/African-American, 0.0013%; no homozygotes.

Submissions (2):

Labcorp Genetics (formerly Invitae), Labcorp
Classification: Uncertain significance for Charcot-Marie-Tooth disease type 4. Last evaluated: 2023-08-30. Review status: criteria provided, single submitter. Criteria: Invitae Variant Classification Sherloc (09022015). Collection method: clinical testing. Allele origin: germline.
Comment: This sequence change replaces arginine, which is basic and polar, with glycine, which is neutral and non-polar, at codon 771 of the SH3TC2 protein (p.Arg771Gly). This variant is not present in population databases (gnomAD no frequency). This variant has not been reported in the literature in individuals affected with SH3TC2-related conditions. ClinVar contains an entry for this variant (Variation ID: 958114). Advanced modeling of protein sequence and biophysical properties (such as structural, functional, and spatial information, amino acid conservation, physicochemical variation, residue mobility, and thermodynamic stability) performed at Invitae indicates that this missense variant is not expected to disrupt SH3TC2 protein function. In summary, the available evidence is currently insufficient to determine the role of this variant in disease. Therefore, it has been classified as a Variant of Uncertain Significance.

Ambry Genetics
Classification: Uncertain significance for Inborn genetic diseases. Last evaluated: 2022-01-26. Review status: criteria provided, single submitter. Criteria: Ambry Variant Classification Scheme 2023. Collection method: clinical testing. Allele origin: germline.

NM_024577.4(SH3TC2):c.2311A>G (p.Arg771Gly)

Gene: SH3TC2 (SH3 domain and tetratricopeptide repeats 2; minus strand). Cytogenetic location: 5q32.
Variant type: single nucleotide variant.
Coding change: c.2311A>G on transcript NM_024577.4 (MANE Select); coding-DNA position 2311, A replaced by G.
Protein change: p.Arg771Gly; replaces arginine 771 with glycine.
Molecular consequence: missense variant.
Genome position (GRCh38, 1-based): chr5:149,027,421, T>C on the plus strand (A>G on the coding strand, the complement: SH3TC2 is on the minus strand). VCF-style: chr5-149027421-T-C. GRCh37 (hg19) VCF-style: chr5-148406984-T-C.
Other names: short protein forms R771G.
Identifiers: ClinVar variation 958114 (VCV000958114.10), dbSNP rs1754089250, ClinGen allele CA361666633.